The following is an entry in ClinVar:

NM_000252.3(MTM1):c.1759A>G (p.Thr587Ala)

Gene: MTM1 (myotubularin 1; plus strand). Cytogenetic location: Xq28.
Variant type: single nucleotide variant.
Coding change: c.1759A>G on transcript NM_000252.3 (MANE Select); coding-DNA position 1759, A replaced by G.
Protein change: p.Thr587Ala; replaces threonine 587 with alanine.
Molecular consequence: missense variant.
Genome position (GRCh38, 1-based): chrX:150,671,542, A>G. VCF-style: chrX-150671542-A-G. GRCh37 (hg19) VCF-style: chrX-149840015-A-G.
Other names: c.1756A>G, p.Thr586Ala (NM_001376906.1); c.1648A>G, p.Thr550Ala (NM_001376907.1); c.1759A>G, p.Thr587Ala (NM_001376908.1); short protein forms T586A, T550A, T587A.
Identifiers: ClinVar variation 2141326 (VCV002141326.4), dbSNP rs1247484844, ClinGen allele CA415023423.
Genomic context (GRCh38, chrX:150,671,542, plus strand): 5'-TACATAAAGCGGCTTGAGGAACTGCAGCTCGCCAACTCTGCCAAGCTTTCTGATCCCCCA[A>G]CTTCACCTTCCAGTCCTTCGCAAATGATGCCCCATGTGCAAACTCACTTCTGAGGGGGGA-3'
Protein context (NP_000243.1, residues 577-597): ANSAKLSDPP[Thr587Ala]SPSSPSQMMP

ClinVar aggregate classification (germline): Uncertain significance (1 of 4 stars; one submission).

Conditions:
Severe X-linked myotubular myopathy (CNMX). Also called: Myotubular myopathy, X-linked; MYOTUBULAR MYOPATHY 1; X-linked centronuclear myopathy. Identifiers: Orphanet 596, MedGen C0410203, MONDO:0010683, OMIM 310400.

Allele frequency attached by ClinVar (database versions not stated): gnomAD 0.00001; gnomAD exomes 0.00001; TOPMed 0.00001.
gnomAD v4.1: 8 of 1,208,780 alleles (0.00066%); highest among the groups gnomAD compares: Non-Finnish European, 0.00089%; no homozygotes.

Submission:

Labcorp Genetics (formerly Invitae), Labcorp
Classification: Uncertain significance for Severe X-linked myotubular myopathy. Last evaluated: 2023-11-27. Review status: criteria provided, single submitter. Criteria: Invitae Variant Classification Sherloc (09022015). Collection method: clinical testing. Allele origin: germline.
Comment: This sequence change replaces threonine, which is neutral and polar, with alanine, which is neutral and non-polar, at codon 587 of the MTM1 protein (p.Thr587Ala). The frequency data for this variant in the population databases is considered unreliable, as metrics indicate poor data quality at this position in the gnomAD database. This variant has not been reported in the literature in individuals affected with MTM1-related conditions. ClinVar contains an entry for this variant (Variation ID: 2141326). Advanced modeling of protein sequence and biophysical properties (such as structural, functional, and spatial information, amino acid conservation, physicochemical variation, residue mobility, and thermodynamic stability) performed at Invitae indicates that this missense variant is not expected to disrupt MTM1 protein function with a negative predictive value of 95%. In summary, the available evidence is currently insufficient to determine the role of this variant in disease. Therefore, it has been classified as a Variant of Uncertain Significance.